The following is an entry in ClinVar:

NM_152419.3(HGSNAT):c.563+1G>C

Gene: HGSNAT (heparan-alpha-glucosaminide N-acetyltransferase; plus strand). Cytogenetic location: 8p11.21.
Variant type: single nucleotide variant.
Coding change: c.563+1G>C on transcript NM_152419.3 (MANE Select); the canonical splice donor site of the intron after coding-DNA position 563, G replaced by C.
Molecular consequence: splice donor variant.
Genome position (GRCh38, 1-based): chr8:43,161,508, G>C. VCF-style: chr8-43161508-G-C. GRCh37 (hg19) VCF-style: chr8-43016651-G-C.
Other names: c.563+1G>C (NM_001363227.2, NM_001363228.2); c.-271+1G>C (NM_001363229.2).
Identifiers: ClinVar variation 2011671 (VCV002011671.4), dbSNP rs2486919501, ClinGen allele CA371115875.

ClinVar aggregate classification (germline): Likely pathogenic (1 of 4 stars; one submission).

Conditions:
Retinitis pigmentosa 73 (RP73). Identifiers: Orphanet 791, MedGen C4225287, MONDO:0014687, OMIM 616544.
Mucopolysaccharidosis, MPS-III-C (MPS3C). Also called: SANFILIPPO SYNDROME C; MPS III C; Mucopolysaccharidosis type IIIC (Sanfilippo C); MUCOPOLYSACCHARIDOSIS, TYPE IIIC; mucopolysaccharidosis type 3C; MPS IIIC (Sanfilippo Syndrome Type C). Identifiers: Orphanet 581, Orphanet 79271, MedGen C0086649, MONDO:0009657, OMIM 252930.

Submission:

Labcorp Genetics (formerly Invitae), Labcorp
Classification: Likely pathogenic for Retinitis pigmentosa 73; Mucopolysaccharidosis, MPS-III-C. Last evaluated: 2022-06-27. Review status: criteria provided, single submitter. Criteria: Invitae Variant Classification Sherloc (09022015). Collection method: clinical testing. Allele origin: germline.
Comment: This variant has not been reported in the literature in individuals affected with HGSNAT-related conditions. In summary, the currently available evidence indicates that the variant is pathogenic, but additional data are needed to prove that conclusively. Therefore, this variant has been classified as Likely Pathogenic. Algorithms developed to predict the effect of sequence changes on RNA splicing suggest that this variant may disrupt the consensus splice site. This variant is not present in population databases (gnomAD no frequency). This sequence change affects a donor splice site in intron 5 of the HGSNAT gene. It is expected to disrupt RNA splicing. Variants that disrupt the donor or acceptor splice site typically lead to a loss of protein function (PMID: 16199547), and loss-of-function variants in HGSNAT are known to be pathogenic (PMID: 17033958, 19479962).

Literature cited by the submitters: PubMed 16199547; PubMed 17033958; PubMed 19479962.